The following is an entry in ClinVar:

ClinVar aggregate classification (germline): Uncertain significance (1 of 4 stars; one submission).

Conditions:
Hereditary cancer-predisposing syndrome. Also called: Hereditary neoplastic syndrome; Neoplastic Syndromes, Hereditary; Tumor predisposition; Hereditary Cancer Syndrome. Identifiers: Orphanet 140162, MedGen C0027672, MeSH D009386, MONDO:0015356.

Submission:

Ambry Genetics
Classification: Uncertain significance for Hereditary cancer-predisposing syndrome. Last evaluated: 2025-08-27. Review status: criteria provided, single submitter. Criteria: Ambry Variant Classification Scheme 2023. Collection method: clinical testing. Allele origin: germline.
Comment: The p.V81A variant (also known as c.242T>C), located in coding exon 3 of the MUTYH gene, results from a T to C substitution at nucleotide position 242. The valine at codon 81 is replaced by alanine, an amino acid with similar properties. This amino acid position is conserved. In addition, this alteration is predicted to be tolerated by in silico analysis. Based on the available evidence, the clinical significance of this variant remains unclear.

NM_001048174.2(MUTYH):c.158T>C (p.Val53Ala)

Gene: MUTYH (mutY DNA glycosylase; minus strand). Cytogenetic location: 1p34.1.
Variant type: single nucleotide variant.
Coding change: c.158T>C on transcript NM_001048174.2 (MANE Select); coding-DNA position 158, T replaced by C.
Protein change: p.Val53Ala; replaces valine 53 with alanine.
Molecular consequence: missense variant. On other transcripts: non-coding transcript variant (5), 5 prime UTR variant (1), intron variant (5).
Genome position (GRCh38, 1-based): chr1:45,333,519, A>G on the plus strand (T>C on the coding strand, the complement: MUTYH is on the minus strand). VCF-style: chr1-45333519-A-G. GRCh37 (hg19) VCF-style: chr1-45799191-A-G.
Other names: c.161T>C, p.Val54Ala (NM_001407078.1, NM_001407079.1, NM_001407086.1 and 2 more transcripts); c.158T>C, p.Val53Ala (NM_001407080.1, NM_001407081.1, NM_001407088.1 and 6 more transcripts); c.200T>C, p.Val67Ala (NM_001407083.1, NM_001407085.1, NM_001407073.1); c.179T>C, p.Val60Ala (NM_001407087.1); c.233T>C, p.Val78Ala (NM_012222.3, NM_001407069.1); c.242T>C, p.Val81Ala (NM_001128425.2); c.203T>C, p.Val68Ala (NM_001293190.2); c.191T>C, p.Val64Ala (NM_001293191.2, NM_001407077.1); and 4 more; short protein forms V53A, V67A, V54A, V78A, V81A, V25A, V60A, V64A.
Identifiers: ClinVar variation 4113542 (VCV004113542.1).